The following is an entry in ClinVar:

ClinVar aggregate classification (germline): Conflicting classifications of pathogenicity. Review status: criteria provided, conflicting classifications (1 of 4 stars). 2 submissions from 2 submitters: Uncertain significance (1); Benign (1). Last evaluated 2023-02-01.

Conditions:
Autosomal dominant nonsyndromic hearing loss 1. Also called: KONIGSMARK SYNDROME; DEAFNESS, AUTOSOMAL DOMINANT 1, WITH OR WITHOUT THROMBOCYTOPENIA. Identifiers: Orphanet 90635, MedGen C1852282, MONDO:0007424, OMIM 124900.

Allele frequency attached by ClinVar (database versions not stated): TOPMed 0.00420; 1000 Genomes Project 30x 0.00625.
gnomAD v4.1: 1,290 of 339,886 alleles (0.38%); highest among the groups gnomAD compares: Admixed American, 1%; 12 homozygotes.

Submissions (2):

CeGaT Center for Human Genetics Tuebingen
Classification: Benign. Last evaluated: 2023-02-01. Review status: criteria provided, single submitter. Criteria: CeGaT Center For Human Genetics Tuebingen Variant Classification Criteria Version 2. Collection method: clinical testing. Allele origin: germline. Affected: yes. Observed: 2 variant alleles.
Comment: DIAPH1: BS1, BS2

Illumina Laboratory Services, Illumina
Classification: Uncertain significance for Autosomal dominant nonsyndromic hearing loss 1. Last evaluated: 2018-01-13. Review status: criteria provided, single submitter. Criteria: ICSL Variant Classification Criteria 13 December 2019. Collection method: clinical testing. Allele origin: germline.

NM_005219.5(DIAPH1):c.*367C>G

Gene: DIAPH1 (diaphanous related formin 1; minus strand). Cytogenetic location: 5q31.3.
Variant type: single nucleotide variant.
Coding change: c.*367C>G on transcript NM_005219.5 (MANE Select); 367 bases downstream of the stop codon, C replaced by G.
Molecular consequence: 3 prime UTR variant.
Genome position (GRCh38, 1-based): chr5:141,516,484, G>C on the plus strand (C>G on the coding strand, the complement: DIAPH1 is on the minus strand). VCF-style: chr5-141516484-G-C. GRCh37 (hg19) VCF-style: chr5-140896051-G-C.
Other names: c.*367C>G (NM_001079812.3); c.*486C>G (NM_001314007.2).
Identifiers: ClinVar variation 351279 (VCV000351279.29), dbSNP rs148686869, ClinGen allele CA10623009.